The following is an entry in ClinVar:

NM_002599.5(PDE2A):c.2608A>T (p.Ile870Phe)

Gene: PDE2A (phosphodiesterase 2A; minus strand). Cytogenetic location: 11q13.4.
Variant type: single nucleotide variant.
Coding change: c.2608A>T on transcript NM_002599.5 (MANE Select); coding-DNA position 2608, A replaced by T.
Protein change: p.Ile870Phe; replaces isoleucine 870 with phenylalanine.
Molecular consequence: missense variant.
Genome position (GRCh38, 1-based): chr11:72,578,240, T>A on the plus strand (A>T on the coding strand, the complement: PDE2A is on the minus strand). VCF-style: chr11-72578240-T-A. GRCh37 (hg19) VCF-style: chr11-72289284-T-A.
Other names: c.2587A>T, p.Ile863Phe (NM_001143839.4); c.2581A>T, p.Ile861Phe (NM_001146209.3); c.2545A>T, p.Ile849Phe (NM_001243784.2); short protein forms I861F, I863F, I870F, I849F.
Identifiers: ClinVar variation 5009465 (VCV005009465.1).

ClinVar aggregate classification (germline): Uncertain significance (1 of 4 stars; one submission).

Submission:

GeneDx
Classification: Uncertain significance. Last evaluated: 2026-03-19. Review status: criteria provided, single submitter. Criteria: GeneDx Variant Classification Process June 2021. Collection method: clinical testing. Allele origin: germline.
Comment: Not observed at significant frequency in large population cohorts (gnomAD); In silico analysis supports that this missense variant has a deleterious effect on protein structure/function; Has not been previously published as pathogenic or benign to our knowledge